The following is an entry in ClinVar:

ClinVar aggregate classification (germline): Uncertain significance (1 of 4 stars; one submission).

Allele frequency attached by ClinVar (database versions not stated): gnomAD exomes below 0.00001.
gnomAD v4.1: 2 of 1,614,144 alleles (0.00012%); highest among the groups gnomAD compares: South Asian, 0.0011%; no homozygotes.

Submission:

CeGaT Center for Human Genetics Tuebingen
Classification: Uncertain significance. Last evaluated: 2023-03-01. Review status: criteria provided, single submitter. Criteria: CeGaT Center For Human Genetics Tuebingen Variant Classification Criteria Version 2. Collection method: clinical testing. Allele origin: germline. Affected: yes. Observed: 1 variant allele.
Comment: GRIN2A: PM2, PM5

NM_001134407.3(GRIN2A):c.691T>G (p.Cys231Gly)

Gene: GRIN2A (glutamate ionotropic receptor NMDA type subunit 2A; minus strand). Cytogenetic location: 16p13.2.
Variant type: single nucleotide variant.
Coding change: c.691T>G on transcript NM_001134407.3 (MANE Select); coding-DNA position 691, T replaced by G.
Protein change: p.Cys231Gly; replaces cysteine 231 with glycine.
Molecular consequence: missense variant.
Genome position (GRCh38, 1-based): chr16:9,938,275, A>C on the plus strand (T>G on the coding strand, the complement: GRIN2A is on the minus strand). VCF-style: chr16-9938275-A-C. GRCh37 (hg19) VCF-style: chr16-10032132-A-C.
Other names: c.691T>G, p.Cys231Gly (NM_000833.5, NM_001134408.2); short protein forms C231G.
Identifiers: ClinVar variation 2646200 (VCV002646200.24), dbSNP rs2141631426, ClinGen allele CA394798708.